The following is an entry in ClinVar:

NM_001080517.3(SETD5):c.2077G>T (p.Ala693Ser)

Gene: SETD5 (SET domain containing 5; plus strand). Cytogenetic location: 3p25.3.
Variant type: single nucleotide variant.
Coding change: c.2077G>T on transcript NM_001080517.3 (MANE Select); coding-DNA position 2077, G replaced by T.
Protein change: p.Ala693Ser; replaces alanine 693 with serine.
Molecular consequence: missense variant.
Genome position (GRCh38, 1-based): chr3:9,447,980, G>T. VCF-style: chr3-9447980-G-T. GRCh37 (hg19) VCF-style: chr3-9489664-G-T.
Other names: c.1783G>T, p.Ala595Ser (NM_001292043.2, NM_001349451.2); short protein forms A595S, A693S.
Identifiers: ClinVar variation 3392875 (VCV003392875.1).
Genomic context (GRCh38, chr3:9,447,980, plus strand): 5'-CCATTAACAGGGTCTGACCCAACTGTGGTGTCAATTACTGGATCCCATGTCAACCGTGCT[G>T]CATCTAAATACCCCAAAACCAAAAAGGTAAGTCACAAATGCATCCTTTATAAGTCCAGTC-3'
Protein context (NP_001073986.1, residues 683-703): SITGSHVNRA[Ala693Ser]SKYPKTKKYL

ClinVar aggregate classification (germline): Uncertain significance (1 of 4 stars; one submission).

Submission:

GeneDx
Classification: Uncertain significance. Last evaluated: 2024-06-27. Review status: criteria provided, single submitter. Criteria: GeneDx Variant Classification Process June 2021. Collection method: clinical testing. Allele origin: germline. Affected: yes.
Comment: Not observed at significant frequency in large population cohorts (gnomAD); In silico analysis indicates that this missense variant does not alter protein structure/function; Has not been previously published as pathogenic or benign to our knowledge